The following is an entry in ClinVar:

NM_030973.4(MED25):c.1108A>G (p.Thr370Ala)

Gene: MED25 (mediator complex subunit 25; plus strand). Cytogenetic location: 19q13.33.
Variant type: single nucleotide variant.
Coding change: c.1108A>G on transcript NM_030973.4 (MANE Select); coding-DNA position 1108, A replaced by G.
Protein change: p.Thr370Ala; replaces threonine 370 with alanine.
Molecular consequence: missense variant.
Genome position (GRCh38, 1-based): chr19:49,831,339, A>G. VCF-style: chr19-49831339-A-G. GRCh37 (hg19) VCF-style: chr19-50334596-A-G.
Other names: c.1108A>G, p.Thr370Ala (NM_001378355.1); short protein forms T370A.
Identifiers: ClinVar variation 949857 (VCV000949857.7), dbSNP rs201553319, ClinGen allele CA9585158.
Genomic context (GRCh38, chr19:49,831,339, plus strand): 5'-CGGAGGCTCCCGGCCTTCCCCATTCTCATGGCCCTCCTTCCTCCCCTCTGGCAGGCAGGC[A>G]CTGTGGCCCCAGGAGGGGTGAGCGGCCCTTCCCCAGCCCAGCTGGGAGCCCCAGCCCTCG-3'
Protein context (NP_112235.2, residues 360-380): AQPGAPSMAG[Thr370Ala]VAPGGVSGPS

ClinVar aggregate classification (germline): Uncertain significance. Review status: criteria provided, multiple submitters, no conflicts (2 of 4 stars). 2 submissions from 2 submitters: Uncertain significance (2). Last evaluated 2025-10-22.

Conditions:
Inborn genetic diseases. Identifiers: MedGen C0950123, MeSH D030342.
Charcot-Marie-Tooth disease type 2. Also called: Charcot-Marie-Tooth type 2. Identifiers: Orphanet 64746, MedGen C0270914, MONDO:0018993.

Allele frequency attached by ClinVar (database versions not stated): TOPMed 0.00003; gnomAD exomes 0.00013; gnomAD 0.00001; ExAC 0.00015; 1000 Genomes Project 30x 0.00016; 1000 Genomes Project 0.00020.
gnomAD v4.1: 36 of 1,610,802 alleles (0.0022%); highest among the groups gnomAD compares: Admixed American, 0.06%; no homozygotes.

Submissions (2):

Labcorp Genetics (formerly Invitae), Labcorp
Classification: Uncertain significance for Charcot-Marie-Tooth disease type 2. Last evaluated: 2025-10-22. Review status: criteria provided, single submitter. Criteria: Invitae Variant Classification Sherloc (09022015). Collection method: clinical testing. Allele origin: germline.
Comment: This sequence change replaces threonine, which is neutral and polar, with alanine, which is neutral and non-polar, at codon 370 of the MED25 protein (p.Thr370Ala). This variant is present in population databases (rs201553319, gnomAD 0.09%). This variant has not been reported in the literature in individuals affected with MED25-related conditions. ClinVar contains an entry for this variant (Variation ID: 949857). An algorithm developed to predict the effect of missense changes on protein structure and function outputs the following: PolyPhen-2: "Benign". The alanine amino acid residue is found in multiple mammalian species, which suggests that this missense change does not adversely affect protein function. In summary, the available evidence is currently insufficient to determine the role of this variant in disease. Therefore, it has been classified as a Variant of Uncertain Significance.

Ambry Genetics
Classification: Uncertain significance for Inborn genetic diseases. Last evaluated: 2021-03-25. Review status: criteria provided, single submitter. Criteria: Ambry Variant Classification Scheme 2023. Collection method: clinical testing. Allele origin: germline.